The following is an entry in ClinVar:

ClinVar aggregate classification (germline): Uncertain significance (1 of 4 stars; one submission).

Conditions:
Hereditary spastic paraplegia 39 (SPG39). Also called: Spastic Paraplegia Type 39 (SPG39); SPASTIC PARAPLEGIA 39, AUTOSOMAL RECESSIVE. Identifiers: Orphanet 139480, MedGen C2677586, MONDO:0012787, OMIM 612020.

Allele frequency attached by ClinVar (database versions not stated): gnomAD exomes below 0.00001 and 0.00001; TOPMed below 0.00001.
gnomAD v4.1: 3 of 1,612,986 alleles (0.00019%); highest among the groups gnomAD compares: Non-Finnish European, 0.00025%; no homozygotes.

Submission:

Labcorp Genetics (formerly Invitae), Labcorp
Classification: Uncertain significance for Hereditary spastic paraplegia 39. Last evaluated: 2022-07-11. Review status: criteria provided, single submitter. Criteria: Invitae Variant Classification Sherloc (09022015). Collection method: clinical testing. Allele origin: germline.
Comment: In summary, the available evidence is currently insufficient to determine the role of this variant in disease. Therefore, it has been classified as a Variant of Uncertain Significance. Variants that disrupt the consensus splice site are a relatively common cause of aberrant splicing (PMID: 17576681, 9536098). Algorithms developed to predict the effect of sequence changes on RNA splicing suggest that this variant may create or strengthen a splice site. ClinVar contains an entry for this variant (Variation ID: 961317). This variant has not been reported in the literature in individuals affected with PNPLA6-related conditions. This variant is present in population databases (no rsID available, gnomAD 0.0009%). This sequence change falls in intron 27 of the PNPLA6 gene. It does not directly change the encoded amino acid sequence of the PNPLA6 protein. It affects a nucleotide within the consensus splice site.

Literature cited by the submitters: PubMed 17576681; PubMed 9536098.

NM_001166114.2(PNPLA6):c.3093+6T>C

Gene: PNPLA6 (patatin like domain 6, lysophospholipase; plus strand). Cytogenetic location: 19p13.2.
Variant type: single nucleotide variant.
Coding change: c.3093+6T>C on transcript NM_001166114.2 (MANE Select); 6 bases into the intron after coding-DNA position 3093, T replaced by C.
Molecular consequence: intron variant.
Genome position (GRCh38, 1-based): chr19:7,555,769, T>C. VCF-style: chr19-7555769-T-C. GRCh37 (hg19) VCF-style: chr19-7620655-T-C.
Other names: c.2979+6T>C (NM_006702.5, NM_001166113.1); c.2898+6T>C (NM_001166112.2); c.3123+6T>C (NM_001166111.2).
Identifiers: ClinVar variation 961317 (VCV000961317.7), dbSNP rs1487510973, ClinGen allele CA631463190.